The following is an entry in ClinVar:

ClinVar aggregate classification (germline): Uncertain significance (1 of 4 stars; one submission).

Allele frequency attached by ClinVar (database versions not stated): gnomAD exomes below 0.00001; TOPMed below 0.00001; gnomAD 0.00001.

Submission:

Labcorp Genetics (formerly Invitae), Labcorp
Classification: Uncertain significance. Last evaluated: 2023-11-27. Review status: criteria provided, single submitter. Criteria: Invitae Variant Classification Sherloc (09022015). Collection method: clinical testing. Allele origin: germline.
Comment: This sequence change replaces glutamine, which is neutral and polar, with histidine, which is basic and polar, at codon 1180 of the CACNA1F protein (p.Gln1180His). This variant is not present in population databases (gnomAD no frequency). This variant has not been reported in the literature in individuals affected with CACNA1F-related conditions. ClinVar contains an entry for this variant (Variation ID: 2002062). Advanced modeling of protein sequence and biophysical properties (such as structural, functional, and spatial information, amino acid conservation, physicochemical variation, residue mobility, and thermodynamic stability) performed at Invitae indicates that this missense variant is expected to disrupt CACNA1F protein function with a positive predictive value of 80%. In summary, the available evidence is currently insufficient to determine the role of this variant in disease. Therefore, it has been classified as a Variant of Uncertain Significance.

NM_001256789.3(CACNA1F):c.3507G>C (p.Gln1169His)

Gene: CACNA1F (calcium voltage-gated channel subunit alpha1 F; minus strand). Cytogenetic location: Xp11.23.
Variant type: single nucleotide variant.
Coding change: c.3507G>C on transcript NM_001256789.3 (MANE Select); coding-DNA position 3507, G replaced by C.
Protein change: p.Gln1169His; replaces glutamine 1169 with histidine.
Molecular consequence: missense variant.
Genome position (GRCh38, 1-based): chrX:49,215,176, C>G on the plus strand (G>C on the coding strand, the complement: CACNA1F is on the minus strand). VCF-style: chrX-49215176-C-G. GRCh37 (hg19) VCF-style: chrX-49071636-C-G.
Other names: c.3345G>C, p.Gln1115His (NM_001256790.3); c.3540G>C, p.Gln1180His (NM_005183.4); short protein forms Q1115H, Q1169H, Q1180H.
Identifiers: ClinVar variation 2002062 (VCV002002062.4), dbSNP rs1234210186, ClinGen allele CA412963211.